The following is an entry in ClinVar:

NM_006885.4(ZFHX3):c.2160G>A (p.Thr720=)

Gene: ZFHX3 (zinc finger homeobox 3; minus strand). Cytogenetic location: 16q22.3.
Variant type: single nucleotide variant.
Coding change: c.2160G>A on transcript NM_006885.4 (MANE Select); coding-DNA position 2160, G replaced by A.
Protein change: p.Thr720=; no amino-acid change (threonine 720 retained).
Molecular consequence: synonymous variant. On other transcripts: intron variant (1).
Genome position (GRCh38, 1-based): chr16:72,957,986, C>T on the plus strand (G>A on the coding strand, the complement: ZFHX3 is on the minus strand). VCF-style: chr16-72957986-C-T. GRCh37 (hg19) VCF-style: chr16-72991885-C-T.
Other names: c.2160G>A, p.Thr720= (NM_001386735.1); c.-23-7021G>A (NM_001164766.2).
Identifiers: ClinVar variation 2646842 (VCV002646842.24), dbSNP rs138131929, ClinGen allele CA8164530.

ClinVar aggregate classification (germline): Likely benign (1 of 4 stars; one submission).

Allele frequency attached by ClinVar (database versions not stated): 1000 Genomes Project 0.00020; 1000 Genomes Project 30x 0.00031; gnomAD 0.00033; TOPMed 0.00036; ESP Exome Variant Server 0.00038; ExAC 0.00047.
gnomAD v4.1: 488 of 1,614,030 alleles (0.03%); highest among the groups gnomAD compares: Admixed American, 0.058%; 2 homozygotes.

Submission:

CeGaT Center for Human Genetics Tuebingen
Classification: Likely benign. Last evaluated: 2025-10-01. Review status: criteria provided, single submitter. Criteria: CeGaT Center For Human Genetics Tuebingen Variant Classification Criteria Version 2. Collection method: clinical testing. Allele origin: germline. Affected: yes. Observed: 3 variant alleles.
Comment: ZFHX3: BP4, BP7